The following is an entry in ClinVar:

ClinVar aggregate classification (germline): Benign/Likely benign. Review status: criteria provided, multiple submitters, no conflicts (2 of 4 stars). 3 submissions from 3 submitters: Benign (1); Likely benign (1). 1 of the submissions does not count toward it. Last evaluated 2025-12-24.

Conditions:
SLC4A1-related disorder. Also called: SLC4A1-related condition; SLC4A1-related disorders.

Allele frequency attached by ClinVar (database versions not stated): gnomAD exomes 0.00004 and 0.00013; ExAC 0.00016; gnomAD 0.00056 and 0.00061; TOPMed 0.00061; ESP Exome Variant Server 0.00085.
gnomAD v4.1: 137 of 1,614,038 alleles (0.0085%); highest among the groups gnomAD compares: African/African-American, 0.18%; no homozygotes.

Submissions (3):

Labcorp Genetics (formerly Invitae), Labcorp
Classification: Benign. Last evaluated: 2025-12-24. Review status: criteria provided, single submitter. Criteria: Invitae Variant Classification Sherloc (09022015). Collection method: clinical testing. Allele origin: germline.

Mayo Clinic Laboratories, Mayo Clinic
Classification: Likely benign. Last evaluated: 2025-06-10. Review status: criteria provided, single submitter. Criteria: ACMG Guidelines, 2015. Collection method: clinical testing. Allele origin: germline. Observed: 1 variant allele.
Comment: BP4, BP7

PreventionGenetics, part of Exact Sciences
Classification: Likely benign for SLC4A1-related condition. Last evaluated: 2020-01-18. Review status: no assertion criteria provided. Collection method: clinical testing. Allele origin: germline. Not counted in ClinVar's aggregate classification.
Comment: This variant is classified as likely benign based on ACMG/AMP sequence variant interpretation guidelines (Richards et al. 2015 PMID: 25741868, with internal and published modifications).

NM_000342.4(SLC4A1):c.1692G>A (p.Gln564=)

Gene: SLC4A1 (solute carrier family 4 member 1 (Diego blood group); minus strand). Cytogenetic location: 17q21.31.
Variant type: single nucleotide variant.
Coding change: c.1692G>A on transcript NM_000342.4 (MANE Select); coding-DNA position 1692, G replaced by A.
Protein change: p.Gln564=; no amino-acid change (glutamine 564 retained).
Molecular consequence: synonymous variant.
Genome position (GRCh38, 1-based): chr17:44,255,781, C>T on the plus strand (G>A on the coding strand, the complement: SLC4A1 is on the minus strand). VCF-style: chr17-44255781-C-T. GRCh37 (hg19) VCF-style: chr17-42333149-C-T.
Other names: p.Gln564=.
Identifiers: ClinVar variation 760852 (VCV000760852.9), dbSNP rs145978062, ClinGen allele CA8600220.